The following is an entry in ClinVar:

NM_004519.4(KCNQ3):c.153G>C (p.Glu51Asp)

Gene: KCNQ3 (potassium voltage-gated channel subfamily Q member 3; minus strand). Cytogenetic location: 8q24.22.
Variant type: single nucleotide variant.
Coding change: c.153G>C on transcript NM_004519.4 (MANE Select); coding-DNA position 153, G replaced by C.
Protein change: p.Glu51Asp; replaces glutamic acid 51 with aspartic acid.
Molecular consequence: missense variant.
Genome position (GRCh38, 1-based): chr8:132,480,380, C>G on the plus strand (G>C on the coding strand, the complement: KCNQ3 is on the minus strand). VCF-style: chr8-132480380-C-G. GRCh37 (hg19) VCF-style: chr8-133492627-C-G.
Other names: short protein forms E51D.
Identifiers: ClinVar variation 834158 (VCV000834158.1), dbSNP rs1405186695, ClinGen allele CA372292790.

ClinVar aggregate classification (germline): Uncertain significance (1 of 4 stars; one submission).

Conditions:
Benign neonatal seizures. Also called: Benign familial neonatal epilepsy; Convulsions benign familial neonatal dominant form; Autosomal dominant form of benign neonatal seizures; Benign familial neonatal seizures; Benign neonatal familial convulsions. Identifiers: Orphanet 1949, MedGen C0220669, MONDO:0016027.

Submission:

Labcorp Genetics (formerly Invitae), Labcorp
Classification: Uncertain significance for Benign neonatal seizures. Last evaluated: 2019-03-04. Review status: criteria provided, single submitter. Criteria: Invitae Variant Classification Sherloc (09022015). Collection method: clinical testing. Allele origin: germline.
Comment: This sequence change replaces glutamic acid with aspartic acid at codon 51 of the KCNQ3 protein (p.Glu51Asp). The glutamic acid residue is weakly conserved and there is a small physicochemical difference between glutamic acid and aspartic acid. This variant is not present in population databases (ExAC no frequency). This variant has not been reported in the literature in individuals with KCNQ3-related conditions. Algorithms developed to predict the effect of missense changes on protein structure and function (SIFT, PolyPhen-2, Align-GVGD) all suggest that this variant is likely to be tolerated, but these predictions have not been confirmed by published functional studies and their clinical significance is uncertain. In summary, the available evidence is currently insufficient to determine the role of this variant in disease. Therefore, it has been classified as a Variant of Uncertain Significance.